The following is an entry in ClinVar:

ClinVar aggregate classification (germline): Pathogenic (1 of 4 stars; one submission).

Conditions:
Deficiency of iodide peroxidase (TDH2A). Also called: Thyroid dyshormonogenesis 2A; THYROID HORMONOGENESIS, GENETIC DEFECT IN, 2A; THYROID PEROXIDASE DEFICIENCY; HYPOTHYROIDISM, CONGENITAL, DUE TO DYSHORMONOGENESIS, 2A; IODIDE PEROXIDASE DEFICIENCY. Identifiers: Orphanet 95716, MedGen C1291299, MONDO:0010133, OMIM 274500.

Submission:

Women's Health and Genetics/Laboratory Corporation of America, LabCorp
Classification: Pathogenic for Deficiency of iodide peroxidase. Last evaluated: 2025-01-31. Review status: criteria provided, single submitter. Criteria: LabCorp Variant Classification Summary - May 2015. Collection method: clinical testing. Allele origin: germline.
Comment: Variant summary: TPO c.875C>T (p.Ser292Phe) results in a non-conservative amino acid change located in the Heme-dependent peroxidases domain (IPR010255) of the encoded protein sequence. Five of five in-silico tools predict a damaging effect of the variant on protein function. The variant was absent in 236170 control chromosomes. c.875C>T has been reported in the homozygous state in the literature in multiple individuals affected with Deficiency Of Iodide Peroxidase (example, Bougacha-Elleuch_2015, Tenenbaum-Rakover_2007), and has been suggested as a possible founder variant in some Middle-Eastern populations. These data indicate that the variant is very likely to be associated with disease. To our knowledge, no experimental evidence demonstrating an impact on protein function has been reported. The following publications have been ascertained in the context of this evaluation (PMID: 25968604, 17381485). No submitters have cited clinical-significance assessments for this variant to ClinVar. Based on the evidence outlined above, the variant was classified as pathogenic.

Literature cited by the submitters: PubMed 25968604; PubMed 17381485.

NM_001206744.2(TPO):c.875C>T (p.Ser292Phe)

Gene: TPO (thyroid peroxidase; plus strand). Cytogenetic location: 2p25.3.
Variant type: single nucleotide variant.
Coding change: c.875C>T on transcript NM_001206744.2 (MANE Select); coding-DNA position 875, C replaced by T.
Protein change: p.Ser292Phe; replaces serine 292 with phenylalanine.
Molecular consequence: missense variant. On other transcripts: intron variant (1).
Genome position (GRCh38, 1-based): chr2:1,477,141, C>T. VCF-style: chr2-1477141-C-T. GRCh37 (hg19) VCF-style: chr2-1480913-C-T.
Other names: c.875C>T, p.Ser292Phe (NM_000547.6, NM_001206745.2, NM_175719.4 and 1 more transcripts); c.820-7455C>T (NM_175722.3); short protein forms S292F.
Identifiers: ClinVar variation 3769373 (VCV003769373.2).